The following is an entry in ClinVar:

ClinVar aggregate classification (germline): Pathogenic (1 of 4 stars; one submission).

Conditions:
Nemaline myopathy 2 (NEM2). Also called: Nemaline myopathy 2, autosomal recessive. Identifiers: MedGen C1850569, MONDO:0009725, OMIM 256030.

Submission:

Labcorp Genetics (formerly Invitae), Labcorp
Classification: Pathogenic for Nemaline myopathy 2. Last evaluated: 2022-08-19. Review status: criteria provided, single submitter. Criteria: Invitae Variant Classification Sherloc (09022015). Collection method: clinical testing. Allele origin: germline.
Comment: ClinVar contains an entry for this variant (Variation ID: 1454953). This sequence change creates a premature translational stop signal (p.Leu7374Argfs*43) in the NEB gene. It is expected to result in an absent or disrupted protein product. Loss-of-function variants in NEB are known to be pathogenic (PMID: 25205138). This variant is not present in population databases (gnomAD no frequency). This variant has not been reported in the literature in individuals affected with NEB-related conditions. For these reasons, this variant has been classified as Pathogenic.

Literature cited by the submitters: PubMed 25205138.

NM_001164508.2(NEB):c.22016del (p.Leu7339fs)

Genes: NEB (nebulin; minus strand), RIF1 (replication timing regulatory factor 1; plus strand). Cytogenetic location: 2q23.3.
Variant type: Deletion.
Coding change: c.22016del on transcript NM_001164508.2 (MANE Select); coding-DNA position 22016, one base deleted (T; older notation c.22016delT).
Protein change: p.Leu7339fs; shifts the reading frame from leucine 7339.
Molecular consequence: frameshift variant.
Genome position (GRCh38, 1-based): chr2:151,526,192, A deleted on the plus strand (T on the coding strand, the reverse complement: NEB is on the minus strand). VCF-style (leftmost placement, unchanged base first): chr2-151526191-CA-C. GRCh37 (hg19) VCF-style: chr2-152382705-CA-C.
Other names: c.22016del, p.Leu7339fs (NM_001164507.2); c.22121del, p.Leu7374fs (NM_001271208.2); c.16913del, p.Leu5638fs (NM_004543.5); short protein forms L5638fs, L7339fs, L7374fs.
Identifiers: ClinVar variation 1454953 (VCV001454953.6), dbSNP rs2153453450, ClinGen allele CA2573133353.
Genomic context (GRCh38, chr2:151,526,191, plus strand): 5'-CAGAACTCATGGGCGGCTGGGGGTTACCTCAGACACCAGGTTGCTGACAGTCTTCGCCAG[CA>C]GGATCTGAGGCGTGTCAGGTACGGCATGGCAGGTTCCTCTTTCCTTGACATGTTTCTCTT-3'